The following is an entry in ClinVar:

ClinVar aggregate classification (germline): Pathogenic/Likely pathogenic. Review status: criteria provided, multiple submitters, no conflicts (2 of 4 stars). 2 submissions from 2 submitters: Pathogenic (1); Likely pathogenic (1). Last evaluated 2024-03-07.

Conditions:
Autosomal recessive nonsyndromic hearing loss 77. Identifiers: Orphanet 90636, MedGen C2746083, MONDO:0013119, OMIM 613079.

gnomAD v4.1: 2 of 1,549,350 alleles (0.00013%); highest among the groups gnomAD compares: Non-Finnish European, 0.00017%; no homozygotes.

Submissions (2):

Fulgent Genetics
Classification: Likely pathogenic for Autosomal recessive nonsyndromic hearing loss 77. Last evaluated: 2024-03-07. Review status: criteria provided, single submitter. Criteria: ACMG Guidelines, 2015. Collection method: clinical testing. Allele origin: germline.

Labcorp Genetics (formerly Invitae), Labcorp
Classification: Pathogenic. Last evaluated: 2023-03-04. Review status: criteria provided, single submitter. Criteria: Invitae Variant Classification Sherloc (09022015). Collection method: clinical testing. Allele origin: germline.
Comment: For these reasons, this variant has been classified as Pathogenic. Algorithms developed to predict the effect of sequence changes on RNA splicing suggest that this variant may disrupt the consensus splice site. This variant is also known as c.771C>A:p.Y257*. This premature translational stop signal has been observed in individual(s) with deafness (PMID: 32488467). The frequency data for this variant in the population databases is considered unreliable, as metrics indicate poor data quality at this position in the gnomAD database. This sequence change creates a premature translational stop signal (p.Tyr1956*) in the LOXHD1 gene. It is expected to result in an absent or disrupted protein product. Loss-of-function variants in LOXHD1 are known to be pathogenic (PMID: 19732867, 21465660, 25792669).

Literature cited by the submitters: PubMed 32488467 (cited by Labcorp Genetics (formerly Invitae), Labcorp); PubMed 19732867 (cited by Labcorp Genetics (formerly Invitae), Labcorp); PubMed 21465660 (cited by Labcorp Genetics (formerly Invitae), Labcorp); PubMed 25792669 (cited by Labcorp Genetics (formerly Invitae), Labcorp).

NM_001384474.1(LOXHD1):c.6054C>A (p.Tyr2018Ter)

Gene: LOXHD1 (lipoxygenase homology PLAT domains 1; minus strand). Cytogenetic location: 18q21.1.
Variant type: single nucleotide variant.
Coding change: c.6054C>A on transcript NM_001384474.1 (MANE Select); coding-DNA position 6054, C replaced by A.
Protein change: p.Tyr2018Ter; replaces tyrosine 2018 with a stop codon.
Molecular consequence: nonsense.
Genome position (GRCh38, 1-based): chr18:46,485,147, G>T on the plus strand (C>A on the coding strand, the complement: LOXHD1 is on the minus strand). VCF-style: chr18-46485147-G-T. GRCh37 (hg19) VCF-style: chr18-44065110-G-T.
Other names: c.5868C>A (NM_144612.6); c.2721C>A, p.Tyr907Ter (NM_001145472.3); c.771C>A, p.Tyr257Ter (NM_001145473.3, NM_001173129.2); c.2433C>A, p.Tyr811Ter (NM_001308013.2); c.5868C>A, p.Tyr1956Ter (NM_144612.7); short protein forms Y257*, Y1956*, Y907*, Y2018*, Y811*.
Identifiers: ClinVar variation 2982390 (VCV002982390.4), dbSNP rs137944477, ClinGen allele CA402366471.